The following is an entry in ClinVar:

NM_006254.4(PRKCD):c.826G>T (p.Val276Leu)

Gene: PRKCD (protein kinase C delta; plus strand). Cytogenetic location: 3p21.1.
Variant type: single nucleotide variant.
Coding change: c.826G>T on transcript NM_006254.4 (MANE Select); coding-DNA position 826, G replaced by T.
Protein change: p.Val276Leu; replaces valine 276 with leucine.
Molecular consequence: missense variant.
Genome position (GRCh38, 1-based): chr3:53,184,912, G>T. VCF-style: chr3-53184912-G-T. GRCh37 (hg19) VCF-style: chr3-53218928-G-T.
Other names: c.826G>T, p.Val276Leu (NM_001316327.2, NM_001354679.2, NM_001354680.2 and 1 more transcripts); c.883G>T, p.Val295Leu (NM_001354676.2); c.874G>T, p.Val292Leu (NM_001354678.2); short protein forms V276L, V292L, V295L.
Identifiers: ClinVar variation 1005060 (VCV001005060.2), dbSNP rs1553668642, ClinGen allele CA353220626.

ClinVar aggregate classification (germline): Uncertain significance (1 of 4 stars; one submission).

Conditions:
Autoimmune lymphoproliferative syndrome, type III caused by mutation in PRKCD. Identifiers: Orphanet 3261, Orphanet 664711, MedGen C3809928, MONDO:8000024, OMIM 615559.

Allele frequency attached by ClinVar (database versions not stated): TOPMed below 0.00001; gnomAD exomes 0.00001 and below 0.00001.
gnomAD v4.1: 9 of 1,614,042 alleles (0.00056%); highest among the groups gnomAD compares: Admixed American, 0.0017%; no homozygotes.

Submission:

Labcorp Genetics (formerly Invitae), Labcorp
Classification: Uncertain significance for Autoimmune lymphoproliferative syndrome, type III caused by mutation in PRKCD. Last evaluated: 2022-06-09. Review status: criteria provided, single submitter. Criteria: Invitae Variant Classification Sherloc (09022015). Collection method: clinical testing. Allele origin: germline.
Comment: This sequence change replaces valine, which is neutral and non-polar, with leucine, which is neutral and non-polar, at codon 276 of the PRKCD protein (p.Val276Leu). This variant is present in population databases (no rsID available, gnomAD 0.003%). This variant has not been reported in the literature in individuals affected with PRKCD-related conditions. ClinVar contains an entry for this variant (Variation ID: 1005060). Algorithms developed to predict the effect of missense changes on protein structure and function (SIFT, PolyPhen-2, Align-GVGD) all suggest that this variant is likely to be disruptive. In summary, the available evidence is currently insufficient to determine the role of this variant in disease. Therefore, it has been classified as a Variant of Uncertain Significance.